The following is an entry in ClinVar:

NM_015915.5(ATL1):c.1119+149T>G

Gene: ATL1 (atlastin GTPase 1; plus strand). Cytogenetic location: 14q22.1.
Variant type: single nucleotide variant.
Coding change: c.1119+149T>G on transcript NM_015915.5 (MANE Select); 149 bases into the intron after coding-DNA position 1119, T replaced by G.
Molecular consequence: intron variant.
Genome position (GRCh38, 1-based): chr14:50,623,397, T>G. VCF-style: chr14-50623397-T-G. GRCh37 (hg19) VCF-style: chr14-51090115-T-G.
Other names: c.1119+149T>G (NM_181598.4, NM_001127713.1).
Identifiers: ClinVar variation 678072 (VCV000678072.4), dbSNP rs6572678, ClinGen allele CA13991642.

ClinVar aggregate classification (germline): Benign. Review status: criteria provided, multiple submitters, no conflicts (2 of 4 stars). 2 submissions from 2 submitters: Benign (2). Last evaluated 2021-07-14.

Conditions:
Hereditary spastic paraplegia 3A (SPG3A). Also called: SPASTIC PARAPLEGIA 3, AUTOSOMAL DOMINANT; FAMILIAL SPASTIC PARAPLEGIA, AUTOSOMAL DOMINANT, 1; SPG3; STRUMPELL DISEASE; Spastic Paraplegia 3A; Spastic paraplegia 3A, autosomal dominant. Identifiers: Orphanet 100984, MedGen C2931355, MONDO:0008437, OMIM 182600.

Allele frequency attached by ClinVar (database versions not stated): gnomAD 0.48687 and 0.49594; TOPMed 0.49445; 1000 Genomes Project 30x 0.52904; 1000 Genomes Project 0.53554; gnomAD exomes 0.55543.
gnomAD v4.1: 357,978 of 661,412 alleles (54%); highest among the groups gnomAD compares: East Asian, 73%; 100,114 homozygotes.

Submissions (2):

Genome-Nilou Lab
Classification: Benign for Hereditary spastic paraplegia 3A. Last evaluated: 2021-07-14. Review status: criteria provided, single submitter. Criteria: ACMG Guidelines, 2015. Collection method: clinical testing. Allele origin: germline. Affected: no.

GeneDx
Classification: Benign. Last evaluated: 2018-06-14. Review status: criteria provided, single submitter. Criteria: GeneDx Variant Classification (06012015). Collection method: clinical testing. Allele origin: germline. Affected: yes.
Comment: This variant is considered likely benign or benign based on one or more of the following criteria: it is a conservative change, it occurs at a poorly conserved position in the protein, it is predicted to be benign by multiple in silico algorithms, and/or has population frequency not consistent with disease.